The following is an entry in ClinVar:

NM_000455.5(STK11):c.283G>C (p.Val95Leu)

Gene: STK11 (serine/threonine kinase 11; plus strand). Cytogenetic location: 19p13.3.
Variant type: single nucleotide variant.
Coding change: c.283G>C on transcript NM_000455.5 (MANE Select); coding-DNA position 283, G replaced by C.
Protein change: p.Val95Leu; replaces valine 95 with leucine.
Molecular consequence: missense variant. On other transcripts: non-coding transcript variant (1).
Genome position (GRCh38, 1-based): chr19:1,207,196, G>C. VCF-style: chr19-1207196-G-C. GRCh37 (hg19) VCF-style: chr19-1207195-G-C.
Other names: c.283G>C, p.Val95Leu (NM_001407255.1); short protein forms V95L.
Identifiers: ClinVar variation 4747125 (VCV004747125.1).
Genomic context (GRCh38, chr19:1,207,196, plus strand): 5'-AGGGCCGTCAAGATCCTCAAGAAGAAGAAGTTGCGAAGGATCCCCAACGGGGAGGCCAAC[G>C]TGAAGAAGTAAGTATGGCTTGCTGGGGTCGGGGCCGGGCCGGGCCAGTCACGGTGCTGAT-3'
Protein context (NP_000446.1, residues 85-105): LRRIPNGEAN[Val95Leu]KKEIQLLRRL

ClinVar aggregate classification (germline): Uncertain significance (1 of 4 stars; one submission).

Conditions:
Peutz-Jeghers syndrome (PJS). Also called: POLYPOSIS, HAMARTOMATOUS INTESTINAL; POLYPS-AND-SPOTS SYNDROME; Peutz-Jeghers polyposis; Periorificial lentiginosis syndrome. Identifiers: Orphanet 2869, MedGen C0031269, MeSH D010580, MONDO:0008280, OMIM 175200.

Submission:

Labcorp Genetics (formerly Invitae), Labcorp
Classification: Uncertain significance for Peutz-Jeghers syndrome. Last evaluated: 2025-12-03. Review status: criteria provided, single submitter. Criteria: Invitae Variant Classification Sherloc (09022015). Collection method: clinical testing. Allele origin: germline.
Comment: This sequence change replaces valine, which is neutral and non-polar, with leucine, which is neutral and non-polar, at codon 95 of the STK11 protein (p.Val95Leu). This variant is not present in population databases (gnomAD no frequency). This variant has not been reported in the literature in individuals affected with STK11-related conditions. Invitae Evidence Modeling of protein sequence and biophysical properties (such as structural, functional, and spatial information, amino acid conservation, physicochemical variation, residue mobility, and thermodynamic stability) has been performed for this missense variant. However, the output from this modeling did not meet the statistical confidence thresholds required to predict the impact of this variant on STK11 protein function. In summary, the available evidence is currently insufficient to determine the role of this variant in disease. Therefore, it has been classified as a Variant of Uncertain Significance.